The following is an entry in ClinVar:

ClinVar aggregate classification (germline): Uncertain significance (1 of 4 stars; one submission).

gnomAD v4.1: 49 of 1,612,292 alleles (0.003%); highest among the groups gnomAD compares: Middle Eastern, 0.033%; no homozygotes.

Submission:

Labcorp Genetics (formerly Invitae), Labcorp
Classification: Uncertain significance. Last evaluated: 2024-08-19. Review status: criteria provided, single submitter. Criteria: Invitae Variant Classification Sherloc (09022015). Collection method: clinical testing. Allele origin: germline.
Comment: This sequence change replaces methionine, which is neutral and non-polar, with valine, which is neutral and non-polar, at codon 412 of the IFT57 protein (p.Met412Val). This variant is present in population databases (rs139626836, gnomAD 0.003%). This variant has not been reported in the literature in individuals affected with IFT57-related conditions. An algorithm developed to predict the effect of missense changes on protein structure and function (PolyPhen-2) suggests that this variant is likely to be tolerated. In summary, the available evidence is currently insufficient to determine the role of this variant in disease. Therefore, it has been classified as a Variant of Uncertain Significance.

NM_018010.4(IFT57):c.1234A>G (p.Met412Val)

Gene: IFT57 (intraflagellar transport 57; minus strand). Cytogenetic location: 3q13.12.
Variant type: single nucleotide variant.
Coding change: c.1234A>G on transcript NM_018010.4 (MANE Select); coding-DNA position 1234, A replaced by G.
Protein change: p.Met412Val; replaces methionine 412 with valine.
Molecular consequence: missense variant.
Genome position (GRCh38, 1-based): chr3:108,162,533, T>C on the plus strand (A>G on the coding strand, the complement: IFT57 is on the minus strand). VCF-style: chr3-108162533-T-C. GRCh37 (hg19) VCF-style: chr3-107881380-T-C.
Other names: short protein forms M412V.
Identifiers: ClinVar variation 3628176 (VCV003628176.2).